The following is an entry in ClinVar:

NM_006416.5(SLC35A1):c.699T>G (p.Ile233Met)

Gene: SLC35A1 (solute carrier family 35 member A1; plus strand). Cytogenetic location: 6q15.
Variant type: single nucleotide variant.
Coding change: c.699T>G on transcript NM_006416.5 (MANE Select); coding-DNA position 699, T replaced by G.
Protein change: p.Ile233Met; replaces isoleucine 233 with methionine.
Molecular consequence: missense variant. On other transcripts: intron variant (1).
Genome position (GRCh38, 1-based): chr6:87,508,544, T>G. VCF-style: chr6-87508544-T-G. GRCh37 (hg19) VCF-style: chr6-88218262-T-G.
Other names: c.575-497T>G (NM_001168398.2); short protein forms I233M.
Identifiers: ClinVar variation 665876 (VCV000665876.8), dbSNP rs150233994, ClinGen allele CA3916030.
Genomic context (GRCh38, chr6:87,508,544, plus strand): 5'-GTATCTATCAGGGATTATTGTGACATTAGCTGGCGTCTACTTGTCAGATGGAGCTGAAAT[T>G]AAAGAAAAAGGATTTTTCTATGGTTACACATATTATGTCTGGTTTGTCATCTGTAAGTAT-3'
Protein context (NP_006407.1, residues 223-243): AGVYLSDGAE[Ile233Met]KEKGFFYGYT

ClinVar aggregate classification (germline): Uncertain significance (1 of 4 stars; one submission).

Conditions:
SLC35A1-congenital disorder of glycosylation. Also called: CONGENITAL DISORDER OF GLYCOSYLATION, TYPE IIf; SLC35A1-CDG; CDG IIf. Identifiers: Orphanet 238459, MedGen C1970344, MONDO:0011342, OMIM 603585.

Allele frequency attached by ClinVar (database versions not stated): TOPMed 0.00003.
gnomAD v4.1: 71 of 1,613,126 alleles (0.0044%); highest among the groups gnomAD compares: Non-Finnish European, 0.0059%; no homozygotes.

Submission:

Labcorp Genetics (formerly Invitae), Labcorp
Classification: Uncertain significance for SLC35A1-congenital disorder of glycosylation. Last evaluated: 2025-10-22. Review status: criteria provided, single submitter. Criteria: Invitae Variant Classification Sherloc (09022015). Collection method: clinical testing. Allele origin: germline.
Comment: This sequence change replaces isoleucine, which is neutral and non-polar, with methionine, which is neutral and non-polar, at codon 233 of the SLC35A1 protein (p.Ile233Met). This variant is present in population databases (rs150233994, gnomAD 0.003%). This variant has not been reported in the literature in individuals affected with SLC35A1-related conditions. ClinVar contains an entry for this variant (Variation ID: 665876). Invitae Evidence Modeling of protein sequence and biophysical properties (such as structural, functional, and spatial information, amino acid conservation, physicochemical variation, residue mobility, and thermodynamic stability) indicates that this missense variant is not expected to disrupt SLC35A1 protein function with a negative predictive value of 80%. In summary, the available evidence is currently insufficient to determine the role of this variant in disease. Therefore, it has been classified as a Variant of Uncertain Significance.